The following is an entry in ClinVar:

NM_182760.4(SUMF1):c.241C>G (p.Pro81Ala)

Genes: SUMF1 (sulfatase modifying factor 1; minus strand), LOC129936056 (ATAC-STARR-seq lymphoblastoid silent region 14016; plus strand). Cytogenetic location: 3p26.1.
Variant type: single nucleotide variant.
Coding change: c.241C>G on transcript NM_182760.4 (MANE Select); coding-DNA position 241, C replaced by G.
Protein change: p.Pro81Ala; replaces proline 81 with alanine.
Molecular consequence: missense variant.
Genome position (GRCh38, 1-based): chr3:4,467,005, G>C on the plus strand (C>G on the coding strand, the complement: SUMF1 is on the minus strand). VCF-style: chr3-4467005-G-C. GRCh37 (hg19) VCF-style: chr3-4508689-G-C.
Other names: c.241C>G, p.Pro81Ala (NM_001164674.2, NM_001164675.2); short protein forms P81A.
Identifiers: ClinVar variation 2053505 (VCV002053505.4), dbSNP rs1324832603, ClinGen allele CA351794137.

ClinVar aggregate classification (germline): Uncertain significance (1 of 4 stars; one submission).

Conditions:
Multiple sulfatase deficiency (MSD). Also called: Mucosulfatidosis; Multiple Sulfatase Deficiency Disease; Sulfatidosis, Juvenile, Austin Type. Identifiers: Orphanet 585, MedGen C0268263, MONDO:0010088, OMIM 272200.

Submission:

Labcorp Genetics (formerly Invitae), Labcorp
Classification: Uncertain significance for Multiple sulfatase deficiency. Last evaluated: 2023-08-04. Review status: criteria provided, single submitter. Criteria: Invitae Variant Classification Sherloc (09022015). Collection method: clinical testing. Allele origin: germline.
Comment: In summary, the available evidence is currently insufficient to determine the role of this variant in disease. Therefore, it has been classified as a Variant of Uncertain Significance. Algorithms developed to predict the effect of missense changes on protein structure and function output the following: SIFT: "Not Available"; PolyPhen-2: "Benign"; Align-GVGD: "Not Available". The alanine amino acid residue is found in multiple mammalian species, which suggests that this missense change does not adversely affect protein function. This variant has not been reported in the literature in individuals affected with SUMF1-related conditions. This variant is not present in population databases (gnomAD no frequency). This sequence change replaces proline, which is neutral and non-polar, with alanine, which is neutral and non-polar, at codon 81 of the SUMF1 protein (p.Pro81Ala).